The following is an entry in ClinVar:

NM_005529.7(HSPG2):c.8156G>A (p.Ser2719Asn)

Gene: HSPG2 (heparan sulfate proteoglycan 2; minus strand). Cytogenetic location: 1p36.12.
Variant type: single nucleotide variant.
Coding change: c.8156G>A on transcript NM_005529.7 (MANE Select); coding-DNA position 8156, G replaced by A.
Protein change: p.Ser2719Asn; replaces serine 2719 with asparagine.
Molecular consequence: missense variant.
Genome position (GRCh38, 1-based): chr1:21,847,362, C>T on the plus strand (G>A on the coding strand, the complement: HSPG2 is on the minus strand). VCF-style: chr1-21847362-C-T. GRCh37 (hg19) VCF-style: chr1-22173855-C-T.
Other names: c.8159G>A, p.Ser2720Asn (NM_001291860.2); short protein forms S2719N, S2720N.
Identifiers: ClinVar variation 447562 (VCV000447562.16), dbSNP rs139042516, ClinGen allele CA670908.
Genomic context (GRCh38, chr1:21,847,362, plus strand): 5'-CCCAGGGAACACTGTTGCCTGCATCCCTCGTCCCTTTCCTAGGCAGACTCACCGGAGGGG[C>T]TGCCGGCGCTAGGGGAGACGGAGATGACGATGGAGGCCTCCAGGGCATCGATGTTGTTGT-3'
Protein context (NP_005520.4, residues 2709-2729): IVISVSPSAG[Ser2719Asn]PSAPGSSMPI

ClinVar aggregate classification (germline): Likely benign. Review status: criteria provided, multiple submitters, no conflicts (2 of 4 stars). 5 submissions from 5 submitters: Likely benign (4). 1 of the submissions does not count toward it. Last evaluated 2025-06-16.

Conditions:
HSPG2-related disorder. Also called: HSPG2-related condition; HSPG2-related disorders.
Inborn genetic diseases. Identifiers: MedGen C0950123, MeSH D030342.

Allele frequency attached by ClinVar (database versions not stated): gnomAD exomes 0.00014 and 0.00036; ExAC 0.00049; gnomAD 0.00127 and 0.00138; TOPMed 0.00155; 1000 Genomes Project 30x 0.00172; 1000 Genomes Project 0.00180; ESP Exome Variant Server 0.00215.
gnomAD v4.1: 405 of 1,614,046 alleles (0.025%); highest among the groups gnomAD compares: African/African-American, 0.47%; 1 homozygote.

Submissions (5):

Labcorp Genetics (formerly Invitae), Labcorp
Classification: Likely benign. Last evaluated: 2025-06-16. Review status: criteria provided, single submitter. Criteria: Invitae Variant Classification Sherloc (09022015). Collection method: clinical testing. Allele origin: germline.

Ambry Genetics
Classification: Likely benign for Inborn genetic diseases. Last evaluated: 2024-06-04. Review status: criteria provided, single submitter. Criteria: Ambry Variant Classification Scheme 2023. Collection method: clinical testing. Allele origin: germline.

Athena Diagnostics
Classification: Likely benign. Last evaluated: 2021-02-15. Review status: criteria provided, single submitter. Criteria: Athena Diagnostics criteria. Collection method: clinical testing. Allele origin: unknown.

GeneDx
Classification: Likely benign. Last evaluated: 2020-05-29. Review status: criteria provided, single submitter. Criteria: GeneDx Variant Classification Process June 2021. Collection method: clinical testing. Allele origin: germline. Affected: yes.

PreventionGenetics, part of Exact Sciences
Classification: Likely benign for HSPG2-related condition. Last evaluated: 2022-02-13. Review status: no assertion criteria provided. Collection method: clinical testing. Allele origin: germline. Not counted in ClinVar's aggregate classification.
Comment: This variant is classified as likely benign based on ACMG/AMP sequence variant interpretation guidelines (Richards et al. 2015 PMID: 25741868, with internal and published modifications).